The following is an entry in ClinVar:

NM_024408.4(NOTCH2):c.2279A>G (p.Glu760Gly)

Gene: NOTCH2 (notch receptor 2; minus strand). Cytogenetic location: 1p12.
Variant type: single nucleotide variant.
Coding change: c.2279A>G on transcript NM_024408.4 (MANE Select); coding-DNA position 2279, A replaced by G.
Protein change: p.Glu760Gly; replaces glutamic acid 760 with glycine.
Molecular consequence: missense variant.
Genome position (GRCh38, 1-based): chr1:119,953,629, T>C on the plus strand (A>G on the coding strand, the complement: NOTCH2 is on the minus strand). VCF-style: chr1-119953629-T-C. GRCh37 (hg19) VCF-style: chr1-120496252-T-C.
Other names: c.2279A>G, p.Glu760Gly (NM_001200001.2); short protein forms E760G.
Identifiers: ClinVar variation 2736446 (VCV002736446.3), dbSNP rs2526252329, ClinGen allele CA341864571.
Genomic context (GRCh38, chr1:119,953,629, plus strand): 5'-CTGTATCCATTCACCAGATTGTCACAAGTTCCTCCATTCTGGCATGGATTCGAAAGGCAT[T>C]CATTTTTGTCCACTTCACAGTTGATGCCAACCCAGCCTGCATCACAGAGACACTTATATC-3'
Protein context (NP_077719.2, residues 750-770): VGINCEVDKN[Glu760Gly]CLSNPCQNGG

ClinVar aggregate classification (germline): Uncertain significance (1 of 4 stars; one submission).

Conditions:
Hajdu-Cheney syndrome (HJCYS). Also called: SERPENTINE FIBULA-POLYCYSTIC KIDNEY SYNDROME; Acroosteolysis dominant type; ACROOSTEOLYSIS WITH OSTEOPOROSIS AND CHANGES IN SKULL AND MANDIBLE. Identifiers: Orphanet 955, MedGen C0917715, MONDO:0007057, OMIM 102500.

Submission:

Labcorp Genetics (formerly Invitae), Labcorp
Classification: Uncertain significance for Hajdu-Cheney syndrome. Last evaluated: 2023-07-14. Review status: criteria provided, single submitter. Criteria: Invitae Variant Classification Sherloc (09022015). Collection method: clinical testing. Allele origin: germline.
Comment: This variant has not been reported in the literature in individuals affected with NOTCH2-related conditions. This variant is not present in population databases (gnomAD no frequency). This sequence change replaces glutamic acid, which is acidic and polar, with glycine, which is neutral and non-polar, at codon 760 of the NOTCH2 protein (p.Glu760Gly). Advanced modeling of protein sequence and biophysical properties (such as structural, functional, and spatial information, amino acid conservation, physicochemical variation, residue mobility, and thermodynamic stability) performed at Invitae indicates that this missense variant is not expected to disrupt NOTCH2 protein function. In summary, the available evidence is currently insufficient to determine the role of this variant in disease. Therefore, it has been classified as a Variant of Uncertain Significance.